The following is an entry in ClinVar:

ClinVar aggregate classification (germline): Uncertain significance. Review status: criteria provided, multiple submitters, no conflicts (2 of 4 stars). 2 submissions from 2 submitters: Uncertain significance (2). Last evaluated 2025-10-02.

Conditions:
Ritscher-Schinzel syndrome. Also called: CRANIOCEREBELLOCARDIAC DYSPLASIA. Identifiers: Orphanet 7, MedGen C0796137, MONDO:0019078.
Hereditary spastic paraplegia 8 (SPG8). Also called: SPASTIC PARAPLEGIA 8, AUTOSOMAL DOMINANT. Identifiers: Orphanet 100989, MedGen C1863704, MONDO:0011339, OMIM 603563.

Allele frequency attached by ClinVar (database versions not stated): TOPMed 0.00004; ExAC 0.00005; gnomAD 0.00001; gnomAD exomes 0.00003 and 0.00004.
gnomAD v4.1: 53 of 1,613,386 alleles (0.0033%); highest among the groups gnomAD compares: Non-Finnish European, 0.004%; no homozygotes.

Submissions (2):

Labcorp Genetics (formerly Invitae), Labcorp
Classification: Uncertain significance for Ritscher-Schinzel syndrome; Hereditary spastic paraplegia 8. Last evaluated: 2025-10-02. Review status: criteria provided, single submitter. Criteria: Invitae Variant Classification Sherloc (09022015). Collection method: clinical testing. Allele origin: germline.
Comment: This sequence change replaces arginine, which is basic and polar, with glutamine, which is neutral and polar, at codon 404 of the WASHC5 protein (p.Arg404Gln). This variant is present in population databases (rs753133551, gnomAD 0.01%). This variant has not been reported in the literature in individuals affected with WASHC5-related conditions. ClinVar contains an entry for this variant (Variation ID: 911195). Invitae Evidence Modeling of protein sequence and biophysical properties (such as structural, functional, and spatial information, amino acid conservation, physicochemical variation, residue mobility, and thermodynamic stability) indicates that this missense variant is not expected to disrupt WASHC5 protein function with a negative predictive value of 80%. In summary, the available evidence is currently insufficient to determine the role of this variant in disease. Therefore, it has been classified as a Variant of Uncertain Significance.

Illumina Laboratory Services, Illumina
Classification: Uncertain significance for Hereditary spastic paraplegia 8. Last evaluated: 2018-01-12. Review status: criteria provided, single submitter. Criteria: ICSL Variant Classification Criteria 13 December 2019. Collection method: clinical testing. Allele origin: germline.

NM_014846.4(WASHC5):c.1211G>A (p.Arg404Gln)

Gene: WASHC5 (WASH complex subunit 5; minus strand). Cytogenetic location: 8q24.13.
Variant type: single nucleotide variant.
Coding change: c.1211G>A on transcript NM_014846.4 (MANE Select); coding-DNA position 1211, G replaced by A.
Protein change: p.Arg404Gln; replaces arginine 404 with glutamine.
Molecular consequence: missense variant.
Genome position (GRCh38, 1-based): chr8:125,067,659, C>T on the plus strand (G>A on the coding strand, the complement: WASHC5 is on the minus strand). VCF-style: chr8-125067659-C-T. GRCh37 (hg19) VCF-style: chr8-126079901-C-T.
Other names: c.767G>A, p.Arg256Gln (NM_001330609.2); short protein forms R256Q, R404Q.
Identifiers: ClinVar variation 911195 (VCV000911195.11), dbSNP rs753133551, ClinGen allele CA4873893.
Genomic context (GRCh38, chr8:125,067,659, plus strand): 5'-AGTATAAACTCAAATTGTGCAGTATCTAACAGCAGCTGGAAGAGGATCCTGGGATTGTAC[C>T]GAGAGTCTGTTAGAATCTGGTCCTTGATTTGACGAAGGCGTTTGTTGTTTGGGTCACAGG-3'
Protein context (NP_055661.3, residues 394-414): QIKDQILTDS[Arg404Gln]YNPRILFQLL